The following is an entry in ClinVar:

ClinVar aggregate classification (germline): Uncertain significance (1 of 4 stars; one submission).

Conditions:
CAD-related disorder. Also called: CAD-related condition.

gnomAD v4.1: 2 of 1,612,480 alleles (0.00012%); highest among the groups gnomAD compares: Non-Finnish European, 0.00017%; no homozygotes.

Submission:

PreventionGenetics, part of Exact Sciences
Classification: Uncertain significance for CAD-related condition. Last evaluated: 2025-11-21. Review status: criteria provided, single submitter. Criteria: ACMG Guidelines, 2015. Collection method: clinical testing. Allele origin: germline.
Comment: The CAD c.4563G>A variant is not predicted to result in an amino acid change (p.=). To our knowledge, this variant has not been reported in the literature or in a large population database (gnomAD), indicating this variant is rare. At this time, the clinical significance of this variant is uncertain due to the absence of conclusive functional and genetic evidence.

NM_004341.5(CAD):c.4563G>A (p.Lys1521=)

Gene: CAD (carbamoyl-phosphate synthetase 2, aspartate transcarbamylase, and dihydroorotase; plus strand). Cytogenetic location: 2p23.3.
Variant type: single nucleotide variant.
Coding change: c.4563G>A on transcript NM_004341.5 (MANE Select); coding-DNA position 4563, G replaced by A.
Protein change: p.Lys1521=; no amino-acid change (lysine 1521 retained).
Molecular consequence: synonymous variant.
Genome position (GRCh38, 1-based): chr2:27,237,545, G>A. VCF-style: chr2-27237545-G-A. GRCh37 (hg19) VCF-style: chr2-27460413-G-A.
Other names: c.4374G>A, p.Lys1458= (NM_001306079.2).
Identifiers: ClinVar variation 4993860 (VCV004993860.1).
Genomic context (GRCh38, chr2:27,237,545, plus strand): 5'-TGCCATGCCTAATACCCGGCCCCCCATCATTGACGCCCCTGCTCTGGCCCTGGCCCAGAA[G>A]GTGAGCCACTGCACTCTTCCTGGTATTGGAGACCCATATGCCCCTACCAGCCACCCTTGC-3'
Protein context (NP_004332.2, residues 1511-1531): IDAPALALAQ[Lys1521=]LAEAGARCDF